The following is an entry in ClinVar:

ClinVar aggregate classification (germline): Benign/Likely benign. Review status: criteria provided, multiple submitters, no conflicts (2 of 4 stars). 5 submissions from 5 submitters: Benign (2); Likely benign (3). Last evaluated 2026-05-18.

Conditions:
Left ventricular noncompaction 8 (LVNC8). Identifiers: Orphanet 154, Orphanet 54260, MedGen C3809288, MONDO:0014152, OMIM 615373.

Allele frequency attached by ClinVar (database versions not stated): ESP Exome Variant Server 0.00016; gnomAD exomes 0.00026 and 0.00049; ExAC 0.00032; gnomAD 0.00032 and 0.00034; TOPMed 0.00043.
gnomAD v4.1: 456 of 1,613,628 alleles (0.028%); highest among the groups gnomAD compares: Middle Eastern, 0.39%; 2 homozygotes.

Submissions (5):

Women's Health and Genetics/Laboratory Corporation of America, LabCorp
Classification: Benign. Last evaluated: 2026-05-18. Review status: criteria provided, single submitter. Criteria: LabCorp Variant Classification Summary - May 2015. Collection method: clinical testing. Allele origin: germline.

Labcorp Genetics (formerly Invitae), Labcorp
Classification: Benign for Left ventricular noncompaction 8. Last evaluated: 2026-01-27. Review status: criteria provided, single submitter. Criteria: Invitae Variant Classification Sherloc (09022015). Collection method: clinical testing. Allele origin: germline.

CeGaT Center for Human Genetics Tuebingen
Classification: Likely benign. Last evaluated: 2025-09-01. Review status: criteria provided, single submitter. Criteria: CeGaT Center For Human Genetics Tuebingen Variant Classification Criteria Version 2. Collection method: clinical testing. Allele origin: germline. Affected: yes. Observed: 1 variant allele.
Comment: PRDM16: BP4, BP7

Blueprint Genetics
Classification: Likely benign. Last evaluated: 2024-11-15. Review status: criteria provided, single submitter. Criteria: ACMG Guidelines, 2015. Collection method: clinical testing. Allele origin: germline.

GeneDx
Classification: Likely benign. Last evaluated: 2020-08-25. Review status: criteria provided, single submitter. Criteria: GeneDx Variant Classification Process June 2021. Collection method: clinical testing. Allele origin: germline. Affected: yes.

NM_022114.4(PRDM16):c.2952C>T (p.Cys984=)

Gene: PRDM16 (PR/SET domain 16; plus strand). Cytogenetic location: 1p36.32.
Variant type: single nucleotide variant.
Coding change: c.2952C>T on transcript NM_022114.4 (MANE Select); coding-DNA position 2952, C replaced by T.
Protein change: p.Cys984=; no amino-acid change (cysteine 984 retained).
Molecular consequence: synonymous variant.
Genome position (GRCh38, 1-based): chr1:3,425,593, C>T. VCF-style: chr1-3425593-C-T. GRCh37 (hg19) VCF-style: chr1-3342157-C-T.
Other names: c.2952C>T, p.Cys984= (NM_199454.3).
Identifiers: ClinVar variation 474424 (VCV000474424.22), dbSNP rs200234106, ClinGen allele CA544681.